The following is an entry in ClinVar:

NM_004817.4(TJP2):c.-16_-2del

Gene: TJP2 (tight junction protein 2; plus strand). Cytogenetic location: 9q21.11.
Variant type: Deletion.
Coding change: c.-16_-2del on transcript NM_004817.4 (MANE Select); 16 bases upstream of the start codon through 2 bases upstream of the start codon, 15 bases deleted (GGGACCTGTGTCCGA).
Molecular consequence: 5 prime UTR variant. On other transcripts: intron variant (3).
Genome position (GRCh38, 1-based): chr9:69,174,357-69,174,371, GGGACCTGTGTCCGA deleted. VCF-style (leftmost placement, unchanged base first): chr9-69174356-CGGGACCTGTGTCCGA-C. GRCh37 (hg19) VCF-style: chr9-71789272-CGGGACCTGTGTCCGA-C.
Other names: c.-16_-2del (NM_001369872.1, NM_001369873.1, NM_201629.3); c.-10+22586_-10+22600del (NM_001170414.2, NM_001369870.1); c.-127-10730_-127-10716del (NM_001369871.1).
Identifiers: ClinVar variation 3371975 (VCV003371975.1).

ClinVar aggregate classification (germline): Uncertain significance (1 of 4 stars; one submission).

Submission:

GeneDx
Classification: Uncertain significance. Last evaluated: 2024-04-10. Review status: criteria provided, single submitter. Criteria: GeneDx Variant Classification Process June 2021. Collection method: clinical testing. Allele origin: germline. Affected: yes.
Comment: Not observed at significant frequency in large population cohorts (gnomAD); Has not been previously published as pathogenic or benign to our knowledge; Alters the Kozak sequence, which plays a major role in the initiation of translation; Nucleotides are not conserved across species and the substitution has no predicted effect on splicing